The following is an entry in ClinVar:

NM_001943.5(DSG2):c.1187_1188del (p.Tyr396fs)

Gene: DSG2 (desmoglein 2; plus strand). Cytogenetic location: 18q12.1.
Variant type: Deletion.
Coding change: c.1187_1188del on transcript NM_001943.5 (MANE Select); coding-DNA positions 1187 to 1188, 2 bases deleted (AT; older notation c.1187_1188delAT).
Protein change: p.Tyr396fs; shifts the reading frame from tyrosine 396.
Molecular consequence: frameshift variant.
Genome position (GRCh38, 1-based): chr18:31,531,159-31,531,160, AT deleted; deleting any 2 consecutive bases within chr18:31,531,158-31,531,160 gives the same sequence; the c. name uses the placement nearest the transcript's 3' end. VCF-style (leftmost placement, unchanged base first): chr18-31531157-TTA-T. GRCh37 (hg19) VCF-style: chr18-29111120-TTA-T.
Other names: short protein forms Y396fs.
Identifiers: ClinVar variation 4731097 (VCV004731097.1).

ClinVar aggregate classification (germline): Pathogenic (1 of 4 stars; one submission).

Conditions:
Arrhythmogenic right ventricular dysplasia 10. Also called: Arrhythmogenic Right Ventricular Dysplasia/Cardiomyopathy10; ARRHYTHMOGENIC RIGHT VENTRICULAR DYSPLASIA, FAMILIAL, 10; Arrhythmogenic right ventricular dysplasia/cardiomyopathy, type 10. Identifiers: MedGen C1857777, MONDO:0012434, OMIM 610193.

Submission:

Labcorp Genetics (formerly Invitae), Labcorp
Classification: Pathogenic for Arrhythmogenic right ventricular dysplasia 10. Last evaluated: 2025-11-12. Review status: criteria provided, single submitter. Criteria: Invitae Variant Classification Sherloc (09022015). Collection method: clinical testing. Allele origin: germline.
Comment: This sequence change creates a premature translational stop signal (p.Tyr396Cysfs*2) in the DSG2 gene. It is expected to result in an absent or disrupted protein product. Loss-of-function variants in DSG2 are known to be pathogenic (PMID: 17105751, 31386562). This variant is not present in population databases (gnomAD no frequency). This variant has not been reported in the literature in individuals affected with DSG2-related conditions. For these reasons, this variant has been classified as Pathogenic.

Literature cited by the submitters: PubMed 17105751; PubMed 31386562.